The following is an entry in ClinVar:

NM_020458.4(TTC7A):c.2050C>T (p.Arg684Trp)

Gene: TTC7A (tetratricopeptide repeat domain 7A; plus strand). Cytogenetic location: 2p21.
Variant type: single nucleotide variant.
Coding change: c.2050C>T on transcript NM_020458.4 (MANE Select); coding-DNA position 2050, C replaced by T.
Protein change: p.Arg684Trp; replaces arginine 684 with tryptophan.
Molecular consequence: missense variant.
Genome position (GRCh38, 1-based): chr2:47,051,778, C>T. VCF-style: chr2-47051778-C-T. GRCh37 (hg19) VCF-style: chr2-47278917-C-T.
Other names: c.2122C>T, p.Arg708Trp (NM_001288951.2); c.1948C>T, p.Arg650Trp (NM_001288953.2); c.988C>T, p.Arg330Trp (NM_001288955.2); c.2050C>T (NM_020458.2); short protein forms R330W, R650W, R684W, R708W.
Identifiers: ClinVar variation 1008227 (VCV001008227.7), dbSNP rs368826418, ClinGen allele CA1647993.

ClinVar aggregate classification (germline): Uncertain significance. Review status: criteria provided, multiple submitters, no conflicts (2 of 4 stars). 2 submissions from 2 submitters: Uncertain significance (2). Last evaluated 2022-05-25.

Conditions:
Inborn genetic diseases. Identifiers: MedGen C0950123, MeSH D030342.
Multiple gastrointestinal atresias. Also called: Multiple intestinal atresia; FAMILIAL INTESTINAL POLYATRESIA SYNDROME. Identifiers: Orphanet 2300, MedGen C0220744, MONDO:0009465.

Allele frequency attached by ClinVar (database versions not stated): ExAC 0.00003; gnomAD 0.00003; gnomAD exomes 0.00004 and 0.00009; TOPMed 0.00005; ESP Exome Variant Server 0.00023.
gnomAD v4.1: 126 of 1,611,124 alleles (0.0078%); highest among the groups gnomAD compares: Non-Finnish European, 0.0097%; no homozygotes.

Submissions (2):

Labcorp Genetics (formerly Invitae), Labcorp
Classification: Uncertain significance for Multiple gastrointestinal atresias. Last evaluated: 2022-05-25. Review status: criteria provided, single submitter. Criteria: Invitae Variant Classification Sherloc (09022015). Collection method: clinical testing. Allele origin: germline.
Comment: This sequence change replaces arginine, which is basic and polar, with tryptophan, which is neutral and slightly polar, at codon 684 of the TTC7A protein (p.Arg684Trp). This variant is present in population databases (rs368826418, gnomAD 0.01%). This variant has not been reported in the literature in individuals affected with TTC7A-related conditions. ClinVar contains an entry for this variant (Variation ID: 1008227). Algorithms developed to predict the effect of missense changes on protein structure and function are either unavailable or do not agree on the potential impact of this missense change (SIFT: "Deleterious"; PolyPhen-2: "Probably Damaging"; Align-GVGD: "Class C0"). In summary, the available evidence is currently insufficient to determine the role of this variant in disease. Therefore, it has been classified as a Variant of Uncertain Significance.

Ambry Genetics
Classification: Uncertain significance for Inborn genetic diseases. Last evaluated: 2021-07-06. Review status: criteria provided, single submitter. Criteria: Ambry Variant Classification Scheme 2023. Collection method: clinical testing. Allele origin: germline.